The following is an entry in ClinVar:

NM_000506.5(F2):c.799G>T (p.Gly267Trp)

Gene: F2 (coagulation factor II, thrombin; plus strand). Cytogenetic location: 11p11.2.
Variant type: single nucleotide variant.
Coding change: c.799G>T on transcript NM_000506.5 (MANE Select); coding-DNA position 799, G replaced by T.
Protein change: p.Gly267Trp; replaces glycine 267 with tryptophan.
Molecular consequence: missense variant.
Genome position (GRCh38, 1-based): chr11:46,726,098, G>T. VCF-style: chr11-46726098-G-T. GRCh37 (hg19) VCF-style: chr11-46747648-G-T.
Other names: c.799G>T (NM_000506.3); short protein forms G267W.
Identifiers: ClinVar variation 2582746 (VCV002582746.3), dbSNP rs759581598, ClinGen allele CA5967052.

ClinVar aggregate classification (germline): Uncertain significance. Review status: criteria provided, multiple submitters, no conflicts (2 of 4 stars). 3 submissions from 3 submitters: Uncertain significance (2). 1 of the submissions does not count toward it. Last evaluated 2025-12-04.

Conditions:
Thrombophilia due to thrombin defect (THPH1). Also called: Prothrombin Thrombophilia; Prothrombin-Related Thrombophilia (Factor II); Thrombosis susceptibility; THROMBOPHILIA DUE TO FACTOR 2 DEFECT. Identifiers: MedGen C3160733, MONDO:0008559, OMIM 188050. Disease mechanism: gain of function, loss of function.
Congenital prothrombin deficiency. Also called: HYPOPROTHROMBINEMIA; Hereditary factor II deficiency disease; Inherited hypoprothrombinemia; Congenital factor II deficiency; Inherited prothrombin deficiency; Factor II deficiency. Identifiers: Orphanet 325, MedGen C0272317, MONDO:0013361, OMIM 613679.
Inborn genetic diseases. Identifiers: MedGen C0950123, MeSH D030342.

gnomAD v4.1: 15 of 1,614,086 alleles (0.00093%); highest among the groups gnomAD compares: Non-Finnish European, 0.00085%; no homozygotes.

Submissions (3):

Ambry Genetics
Classification: Uncertain significance for Inborn genetic diseases. Last evaluated: 2025-12-04. Review status: criteria provided, single submitter. Criteria: Ambry Variant Classification Scheme 2023. Collection method: clinical testing. Allele origin: germline.

Labcorp Genetics (formerly Invitae), Labcorp
Classification: Uncertain significance for Congenital prothrombin deficiency. Last evaluated: 2025-08-13. Review status: criteria provided, single submitter. Criteria: Invitae Variant Classification Sherloc (09022015). Collection method: clinical testing. Allele origin: germline.
Comment: This sequence change replaces glycine, which is neutral and non-polar, with tryptophan, which is neutral and slightly polar, at codon 267 of the F2 protein (p.Gly267Trp). This variant is present in population databases (rs759581598, gnomAD 0.004%). This variant has not been reported in the literature in individuals affected with F2-related conditions. ClinVar contains an entry for this variant (Variation ID: 2582746). Invitae Evidence Modeling of protein sequence and biophysical properties (such as structural, functional, and spatial information, amino acid conservation, physicochemical variation, residue mobility, and thermodynamic stability) indicates that this missense variant is not expected to disrupt F2 protein function with a negative predictive value of 80%. In summary, the available evidence is currently insufficient to determine the role of this variant in disease. Therefore, it has been classified as a Variant of Uncertain Significance.

Zotz-Klimas Genetics Lab, MVZ Zotz Klimas
Classification: Uncertain significance for Thrombophilia due to thrombin defect. Last evaluated: 2023-10-09. Review status: no assertion criteria provided. Collection method: clinical testing. Allele origin: germline. Affected: yes. Not counted in ClinVar's aggregate classification.